The following is an entry in ClinVar:

ClinVar aggregate classification (germline): Uncertain significance (1 of 4 stars; one submission).

gnomAD v4.1: 2 of 1,614,046 alleles (0.00012%); highest among the groups gnomAD compares: Admixed American, 0.0033%; no homozygotes.

Submission:

Labcorp Genetics (formerly Invitae), Labcorp
Classification: Uncertain significance. Last evaluated: 2024-08-31. Review status: criteria provided, single submitter. Criteria: Invitae Variant Classification Sherloc (09022015). Collection method: clinical testing. Allele origin: germline.
Comment: This sequence change replaces valine, which is neutral and non-polar, with isoleucine, which is neutral and non-polar, at codon 499 of the CYFIP2 protein (p.Val499Ile). This variant is present in population databases (no rsID available, gnomAD 0.006%). This variant has not been reported in the literature in individuals affected with CYFIP2-related conditions. Experimental studies and prediction algorithms are not available or were not evaluated, and the functional significance of this variant is currently unknown. In summary, the available evidence is currently insufficient to determine the role of this variant in disease. Therefore, it has been classified as a Variant of Uncertain Significance.

NM_001037333.3(CYFIP2):c.1495G>A (p.Val499Ile)

Gene: CYFIP2 (cytoplasmic FMR1 interacting protein 2; plus strand). Cytogenetic location: 5q33.3.
Variant type: single nucleotide variant.
Coding change: c.1495G>A on transcript NM_001037333.3 (MANE Select); coding-DNA position 1495, G replaced by A.
Protein change: p.Val499Ile; replaces valine 499 with isoleucine.
Molecular consequence: missense variant.
Genome position (GRCh38, 1-based): chr5:157,319,900, G>A. VCF-style: chr5-157319900-G-A. GRCh37 (hg19) VCF-style: chr5-156746908-G-A.
Other names: c.1417G>A, p.Val473Ile (NM_001291721.2); c.1495G>A, p.Val499Ile (NM_001291722.2, NM_014376.4); short protein forms V499I, V473I.
Identifiers: ClinVar variation 3661646 (VCV003661646.2).